The following is an entry in ClinVar:

ClinVar aggregate classification (germline): Uncertain significance (1 of 4 stars; one submission).

Conditions:
Peroxisome biogenesis disorder 2B (PBD2B). Identifiers: Orphanet 44, MedGen C3550234, MONDO:0008736, OMIM 202370.

gnomAD v4.1: 29 of 1,614,210 alleles (0.0018%); highest among the groups gnomAD compares: South Asian, 0.03%; no homozygotes.

Submission:

Labcorp Genetics (formerly Invitae), Labcorp
Classification: Uncertain significance for Peroxisome biogenesis disorder 2B. Last evaluated: 2022-03-22. Review status: criteria provided, single submitter. Criteria: Invitae Variant Classification Sherloc (09022015). Collection method: clinical testing. Allele origin: germline.
Comment: This sequence change replaces alanine, which is neutral and non-polar, with glutamic acid, which is acidic and polar, at codon 625 of the PEX5 protein (p.Ala625Glu). This variant is present in population databases (rs773854263, gnomAD 0.04%). This variant has not been reported in the literature in individuals affected with PEX5-related conditions. Algorithms developed to predict the effect of missense changes on protein structure and function (SIFT, PolyPhen-2, Align-GVGD) all suggest that this variant is likely to be tolerated. In summary, the available evidence is currently insufficient to determine the role of this variant in disease. Therefore, it has been classified as a Variant of Uncertain Significance.

NM_001351132.2(PEX5):c.1874C>A (p.Ala625Glu)

Gene: PEX5 (peroxisomal biogenesis factor 5; plus strand). Cytogenetic location: 12p13.31.
Variant type: single nucleotide variant.
Coding change: c.1874C>A on transcript NM_001351132.2 (MANE Select); coding-DNA position 1874, C replaced by A.
Protein change: p.Ala625Glu; replaces alanine 625 with glutamic acid.
Molecular consequence: missense variant.
Genome position (GRCh38, 1-based): chr12:7,210,177, C>A. VCF-style: chr12-7210177-C-A. GRCh37 (hg19) VCF-style: chr12-7362773-C-A.
Other names: c.1850C>A, p.Ala617Glu (NM_000319.5); c.1919C>A, p.Ala640Glu (NM_001131023.2); c.1763C>A, p.Ala588Glu (NM_001131024.2, NM_001351124.3, NM_001351126.2 and 7 more transcripts); c.1874C>A, p.Ala625Glu (NM_001131025.2, NM_001131026.2, NM_001300789.3 and 4 more transcripts); c.1808C>A, p.Ala603Glu (NM_001351135.3, NM_001351138.2); c.1865C>A, p.Ala622Glu (NM_001351136.2); c.1739C>A, p.Ala580Glu (NM_001351139.2, NM_001351140.2, NM_001374649.2); short protein forms A640E, A617E, A622E, A625E, A580E, A588E, A603E.
Identifiers: ClinVar variation 1982372 (VCV001982372.1), dbSNP rs773854263, ClinGen allele CA6426612.